The following is an entry in ClinVar:

NM_000089.4(COL1A2):c.2701G>A (p.Gly901Ser)

Gene: COL1A2 (collagen type I alpha 2 chain; plus strand). Cytogenetic location: 7q21.3.
Variant type: single nucleotide variant.
Coding change: c.2701G>A on transcript NM_000089.4 (MANE Select); coding-DNA position 2701, G replaced by A.
Protein change: p.Gly901Ser; replaces glycine 901 with serine.
Molecular consequence: missense variant.
Genome position (GRCh38, 1-based): chr7:94,425,144, G>A. VCF-style: chr7-94425144-G-A. GRCh37 (hg19) VCF-style: chr7-94054456-G-A.
Other names: p.Gly901Ser; short protein forms G901S.
Identifiers: ClinVar variation 1343353 (VCV001343353.22), dbSNP rs72659306, ClinGen allele CA4347536.
Genomic context (GRCh38, chr7:94,425,144, plus strand): 5'-GGGAATGTCATTTTATCTTCTCTGCCTGTTTAGGGTGAACCTGGTCCTCTTGGCATTGCC[G>A]GCCCTCCTGGGGCCCGTGGTCCTCCTGGTGCTGTGGGTAGTCCTGGAGTCAACGGTGCTC-3'
Protein context (NP_000080.2, residues 891-911): VGEPGPLGIA[Gly901Ser]PPGARGPPGA

ClinVar aggregate classification (germline): Pathogenic/Likely pathogenic. Review status: criteria provided, multiple submitters, no conflicts (2 of 4 stars). 9 submissions from 9 submitters: Pathogenic (5); Likely pathogenic (4). Last evaluated 2025-12-22.

Conditions:
Ehlers-Danlos syndrome, arthrochalasia type, 2. Also called: EHLERS-DANLOS SYNDROME, TYPE VIIB, AUTOSOMAL DOMINANT. Identifiers: MedGen CN293783, MONDO:0040501, OMIM 617821.
Combined osteogenesis imperfecta and Ehlers-Danlos syndrome 2. Also called: OIEDS SYNDROME 2. Identifiers: MedGen C5436847, MONDO:0030855, OMIM 619120.
Osteogenesis imperfecta, perinatal lethal (OI2). Also called: OI, TYPE II; OSTEOGENESIS IMPERFECTA CONGENITA; VROLIK TYPE OF OSTEOGENESIS IMPERFECTA; Osteogenesis imperfecta type 2; OSTEOGENESIS IMPERFECTA, TYPE II; Osteogenesis imperfecta, dominant perinatal lethal. Identifiers: Orphanet 216804, MedGen C0268358, MONDO:0008147, OMIM 166210.
Osteogenesis imperfecta type III (OI3). Also called: Progressively Deforming Osteogenesis Imperfecta; Osteogenesis imperfecta type 3; OI type 3; Osteogenesis imperfecta, progressively deforming with normal sclerae; OI type III. Identifiers: Orphanet 216812, Orphanet 666, MedGen C0268362, MONDO:0009804, OMIM 259420.
Osteoporosis. Identifiers: MedGen C0029456, MONDO:0005298, OMIM 166710, HP:0000939.
Osteogenesis imperfecta with normal sclerae, dominant form (OI4). Also called: Osteogenesis imperfecta type 4; Common Variable Osteogenesis Imperfecta with Normal Sclerae; OSTEOGENESIS IMPERFECTA WITH NORMAL SCLERAE; Osteogenesis Imperfecta Type IV; OSTEOGENESIS IMPERFECTA, TYPE IV, WITH DENTINOGENESIS IMPERFECTA. Identifiers: Orphanet 216820, Orphanet 666, MedGen C0268363, MONDO:0008148, OMIM 166220.
Ehlers-Danlos syndrome, cardiac valvular type. Identifiers: Orphanet 230851, MedGen C4303789, MONDO:0009159, OMIM 225320.
Ehlers-Danlos syndrome, classic type, 1 (EDSCL1). Also called: Ehlers-Danlos syndrome, type 1; EDS I; Ehlers-Danlos Syndrome, Classic Type, COL5A1-Related; EHLERS-DANLOS SYNDROME, GRAVIS TYPE; EHLERS-DANLOS SYNDROME, SEVERE CLASSIC TYPE. Identifiers: MedGen C0268335, MONDO:0019567, OMIM 130000.
Osteogenesis imperfecta type I (OI1). Also called: Osteogenesis imperfecta type 1; Lobstein's Disease; Classic Non-deforming Osteogenesis Imperfecta with Blue Sclerae; OI, TYPE I; OSTEOGENESIS IMPERFECTA TARDA; OSTEOGENESIS IMPERFECTA WITH BLUE SCLERAE. Identifiers: Orphanet 216796, Orphanet 666, MedGen C0023931, MONDO:0008146, OMIM 166200. Disease mechanism: loss of function.
Ehlers-Danlos syndrome (EDS). Identifiers: Orphanet 98249, MedGen C0013720, MONDO:0020066.
COL1A2-related osteogenesis imperfecta. Identifiers: MedGen CN379211, MONDO:0100596.
COL1A2-related disorder. Also called: COL1A2-related condition; COL1A2-Related Disorders.

Allele frequency attached by ClinVar (database versions not stated): gnomAD exomes below 0.00001 and 0.00001; ExAC 0.00001; gnomAD 0.00001; TOPMed 0.00001.
gnomAD v4.1: 10 of 1,614,052 alleles (0.00062%); highest among the groups gnomAD compares: Admixed American, 0.0017%; no homozygotes.

Submissions (9):

Victorian Clinical Genetics Services, Murdoch Childrens Research Institute
Classification: Pathogenic for COL1A2-related osteogenesis imperfecta. Last evaluated: 2025-12-22. Review status: criteria provided, single submitter. Criteria: ACMG Guidelines, 2015. Collection method: clinical testing. Allele origin: germline.
Comment: This variant is classified as Pathogenic. Evidence in support of pathogenic classification: Variant is present in gnomAD <0.01 (v4: 10 heterozygote(s), 0 homozygote(s)). - This variant has strong previous evidence of pathogenicity in unrelated individuals. This variant has been classified as pathogenic or likely pathogenic by multiple clinical laboratories in ClinVar. It has also been reported in the literature in individuals with osteogenesis imperfecta, ranging from the neonatal lethal form of disease to mild disease (PMIDs: 21239989, 34025714); Another missense variant(s) comparable to the one identified in this case has moderate previous evidence for pathogenicity. p.(Gly901Cys) has been classified as likely pathogenic by clinical laboratories in ClinVar; Variant is located in the well-established functional Gly-X-Y motif and affects a glycine residue (DECIPHER); Missense variant predicted to be damaging by in silico tool(s) or highly conserved with a major amino acid change. Additional information: Variant is predicted to result in a missense amino acid change from Gly to Ser; This variant is heterozygous; This gene is associated with both recessive and dominant disease. Most phenotypes associated with this gene are autosomal dominant; however, the cardiac valvular type of Ehlers-Danlos syndrome (MIM#225320) is recessive (OMIM); Dominant negative and loss of function are known mechanisms of disease in this gene. Heterozygous missense variants causing severe and lethal forms of osteogenesis imperfecta (MIM#s166210, 259420 & 166220) are due to a dominant negative mechanism, whereas biallelic loss of function variants result in the autosomal recessive form of Ehlers-Danlos syndrome (MIM#225320). The exact mechanism of disease for the autosomal dominant form of Ehlers-Danlos syndrome (MIM#2617821) remains unclear; however, variants have been shown to result in the whole or partial skipping of exon 6 (PMIDs: 12362985, 31218159); Variants in this gene are known to have variable expressivity (PMID: 20301472).

Genomic Medicine Center of Excellence, King Faisal Specialist Hospital and Research Centre
Classification: Pathogenic for Ehlers-Danlos syndrome, arthrochalasia type, 2. Last evaluated: 2025-09-10. Review status: criteria provided, single submitter. Criteria: ACMG Guidelines, 2015. Collection method: clinical testing. Allele origin: germline.

Laboratory of Genetics, Children's Clinical University Hospital Latvia
Classification: Pathogenic. Last evaluated: 2025-02-16. Review status: criteria provided, single submitter. Criteria: ACMG Guidelines, 2015. Collection method: clinical testing. Allele origin: germline. Affected: yes.

Blueprint Genetics
Classification: Likely pathogenic for COL1A2-related disorders. Last evaluated: 2024-09-02. Review status: criteria provided, single submitter. Criteria: ACMG Guidelines, 2015. Collection method: clinical testing. Allele origin: germline. Affected: yes. Observed: 2 variant alleles.

Labcorp Genetics (formerly Invitae), Labcorp
Classification: Pathogenic for Osteogenesis imperfecta type I; Ehlers-Danlos syndrome, classic type, 1. Last evaluated: 2024-05-22. Review status: criteria provided, single submitter. Criteria: Invitae Variant Classification Sherloc (09022015). Collection method: clinical testing. Allele origin: germline.
Comment: This sequence change replaces glycine, which is neutral and non-polar, with serine, which is neutral and polar, at codon 901 of the COL1A2 protein (p.Gly901Ser). This variant is present in population databases (rs72659306, gnomAD 0.0009%). This missense change has been observed in individual(s) with osteogenesis imperfecta (PMID: 9272740, 17078022). This variant is also known as G811S. ClinVar contains an entry for this variant (Variation ID: 1343353). Advanced modeling of protein sequence and biophysical properties (such as structural, functional, and spatial information, amino acid conservation, physicochemical variation, residue mobility, and thermodynamic stability) performed at Invitae indicates that this missense variant is expected to disrupt COL1A2 protein function with a positive predictive value of 95%. This variant disrupts the triple helix domain of COL1A2. Glycine residues within the Gly-Xaa-Yaa repeats of the triple helix domain are required for the structure and stability of fibrillar collagens (PMID: 7695699, 8218237, 19344236). In COL1A2, variants affecting these glycine residues are significantly enriched in individuals with disease (PMID: 9016532, 17078022) compared to the general population (ExAC). For these reasons, this variant has been classified as Pathogenic.

Genome Diagnostics Laboratory, The Hospital for Sick Children
Classification: Likely pathogenic for Ehlers-Danlos syndrome. Last evaluated: 2022-07-22. Review status: criteria provided, single submitter. Criteria: ACMG Guidelines, 2015. Collection method: clinical testing. Allele origin: germline.

Mayo Clinic Laboratories, Mayo Clinic
Classification: Likely pathogenic. Last evaluated: 2022-06-01. Review status: criteria provided, single submitter. Criteria: ACMG Guidelines, 2015. Collection method: clinical testing. Allele origin: germline. Observed: 2 variant alleles.
Comment: PP3, PM1, PM2_supporting, PS4_moderate

GeneDx
Classification: Pathogenic. Last evaluated: 2022-04-28. Review status: criteria provided, single submitter. Criteria: GeneDx Variant Classification Process June 2021. Collection method: clinical testing. Allele origin: germline. Affected: yes.
Comment: Not observed at significant frequency in large population cohorts (gnomAD); In silico analysis supports that this missense variant has a deleterious effect on protein structure/function; Occurs in the triple helical domain and replaces a glycine in a canonical Gly-X-Y repeat; missense substitution of a canonical glycine residue is expected to disrupt normal protein folding and function, and this is an established mechanism of disease (Jovanovic et al., 2021); This variant is associated with the following publications: (PMID: 17078022, 21239989, 31039433, 34007986, 9272740, 34025714, 18311573, 1634225)

Juno Genomics, Hangzhou Juno Genomics, Inc
Classification: Likely pathogenic for Osteoporosis; Combined osteogenesis imperfecta and Ehlers-Danlos syndrome 2; Ehlers-Danlos syndrome, arthrochalasia type, 2; Ehlers-Danlos syndrome, cardiac valvular type; Osteogenesis imperfecta, perinatal lethal; Osteogenesis imperfecta type III; Osteogenesis imperfecta with normal sclerae, dominant form. Review status: criteria provided, single submitter. Criteria: ACMG Guidelines, 2015. Collection method: clinical testing. Allele origin: germline.
Comment: Absent from controls (or at extremely low frequency if recessive) in Genome Aggregation Database.;Multiple lines of computational evidence support a deleterious effect on the gene or gene product.;Missense variant in a gene that has a low rate of benign missense variation.;The prevalence of the variant in affected individuals is significantly increased compared to the prevalence in controls.

Literature cited by the submitters: PubMed 12362985 (cited by Victorian Clinical Genetics Services, Murdoch Childrens Research Institute); PubMed 34025714 (cited by Victorian Clinical Genetics Services, Murdoch Childrens Research Institute); PubMed 31218159 (cited by Victorian Clinical Genetics Services, Murdoch Childrens Research Institute); PubMed 20301472 (cited by Victorian Clinical Genetics Services, Murdoch Childrens Research Institute); PubMed 21239989 (cited by Victorian Clinical Genetics Services, Murdoch Childrens Research Institute); PubMed 9272740 (cited by Labcorp Genetics (formerly Invitae), Labcorp); PubMed 17078022 (cited by Labcorp Genetics (formerly Invitae), Labcorp); PubMed 7695699 (cited by Labcorp Genetics (formerly Invitae), Labcorp); PubMed 8218237 (cited by Labcorp Genetics (formerly Invitae), Labcorp); PubMed 19344236 (cited by Labcorp Genetics (formerly Invitae), Labcorp); PubMed 9016532 (cited by Labcorp Genetics (formerly Invitae), Labcorp); PubMed 1634225 (cited by Mayo Clinic Laboratories, Mayo Clinic).